The following is an entry in ClinVar:

NM_000051.4(ATM):c.8863del (p.Asp2955fs)

Genes: ATM (ATM serine/threonine kinase; plus strand), C11orf65 (chromosome 11 open reading frame 65; minus strand). Cytogenetic location: 11q22.3.
Variant type: Deletion.
Coding change: c.8863del on transcript NM_000051.4 (MANE Select); coding-DNA position 8863, one base deleted (G; older notation c.8863delG).
Protein change: p.Asp2955fs; shifts the reading frame from aspartic acid 2955.
Molecular consequence: frameshift variant. On other transcripts: intron variant (2).
Genome position (GRCh38, 1-based): chr11:108,365,094, G deleted. VCF-style (leftmost placement, unchanged base first): chr11-108365093-TG-T. GRCh37 (hg19) VCF-style: chr11-108235820-TG-T.
Other names: c.8863del, p.Asp2955fs (NM_001351834.2); c.640+20826del (NM_001330368.2); c.694+20826del (NM_001351110.2); short protein forms D2955fs.
Identifiers: ClinVar variation 1764932 (VCV001764932.2), dbSNP rs2547674219, ClinGen allele CA2580083052.

ClinVar aggregate classification (germline): Pathogenic (1 of 4 stars; one submission).

Conditions:
Hereditary cancer-predisposing syndrome. Also called: Hereditary neoplastic syndrome; Neoplastic Syndromes, Hereditary; Tumor predisposition; Hereditary Cancer Syndrome. Identifiers: Orphanet 140162, MedGen C0027672, MeSH D009386, MONDO:0015356.

Submission:

Ambry Genetics
Classification: Pathogenic for Hereditary cancer-predisposing syndrome. Last evaluated: 2020-06-10. Review status: criteria provided, single submitter. Criteria: Ambry Variant Classification Scheme 2023. Collection method: clinical testing. Allele origin: germline.
Comment: The c.8863delG pathogenic mutation, located in coding exon 61 of the ATM gene, results from a deletion of one nucleotide at nucleotide position 8863, causing a translational frameshift with a predicted alternate stop codon (p.Asp2955Ilefs*8). This alteration is expected to result in loss of function by premature protein truncation or nonsense-mediated mRNA decay. As such, this alteration is interpreted as a disease-causing mutation.